The following is an entry in ClinVar:

NM_001350162.2(TEX15):c.5859A>C (p.Leu1953=)

Gene: TEX15 (testis expressed 15, meiosis and synapsis associated; minus strand). Cytogenetic location: 8p12.
Variant type: single nucleotide variant.
Coding change: c.5859A>C on transcript NM_001350162.2 (MANE Select); coding-DNA position 5859, A replaced by C.
Protein change: p.Leu1953=; no amino-acid change (leucine 1953 retained).
Molecular consequence: synonymous variant.
Genome position (GRCh38, 1-based): chr8:30,844,308, T>G on the plus strand (A>C on the coding strand, the complement: TEX15 is on the minus strand). VCF-style: chr8-30844308-T-G. GRCh37 (hg19) VCF-style: chr8-30701824-T-G.
Other names: c.4710A>C, p.Leu1570= (NM_031271.3).
Identifiers: ClinVar variation 2583062 (VCV002583062.25), dbSNP rs144677458, ClinGen allele CA4702766.

ClinVar aggregate classification (germline): Likely benign (1 of 4 stars; one submission).

Allele frequency attached by ClinVar (database versions not stated): 1000 Genomes Project 30x 0.00016; 1000 Genomes Project 0.00020; ESP Exome Variant Server 0.00046.

Submission:

CeGaT Center for Human Genetics Tuebingen
Classification: Likely benign. Last evaluated: 2023-09-01. Review status: criteria provided, single submitter. Criteria: CeGaT Center For Human Genetics Tuebingen Variant Classification Criteria Version 2. Collection method: clinical testing. Allele origin: germline. Affected: yes. Observed: 1 variant allele.
Comment: TEX15: BP4, BP7